The following is an entry in ClinVar:

NM_017763.6(RNF43):c.285T>C (p.Asp95=)

Gene: RNF43 (ring finger protein 43; minus strand). Cytogenetic location: 17q22.
Variant type: single nucleotide variant.
Coding change: c.285T>C on transcript NM_017763.6 (MANE Select); coding-DNA position 285, T replaced by C.
Protein change: p.Asp95=; no amino-acid change (aspartic acid 95 retained).
Molecular consequence: synonymous variant. On other transcripts: 5 prime UTR variant (2).
Genome position (GRCh38, 1-based): chr17:58,371,001, A>G on the plus strand (T>C on the coding strand, the complement: RNF43 is on the minus strand). VCF-style: chr17-58371001-A-G. GRCh37 (hg19) VCF-style: chr17-56448362-A-G.
Other names: c.285T>C, p.Asp95= (NM_001305544.3, NM_001438820.1, NM_001438821.1 and 1 more transcripts); c.-97T>C (NM_001305545.2, NM_001437987.1).
Identifiers: ClinVar variation 4875965 (VCV004875965.1).

ClinVar aggregate classification (germline): Benign (1 of 4 stars; one submission).

Conditions:
Sessile serrated polyposis cancer syndrome (SSPCS). Identifiers: Orphanet 157798, MedGen C4310714, MONDO:0014919, OMIM 617108.

gnomAD v4.1: 2 of 1,610,418 alleles (0.00012%); highest among the groups gnomAD compares: Non-Finnish European, 0.00017%; no homozygotes.

Submission:

Myriad Genetics, Inc.
Classification: Benign for Sessile serrated polyposis cancer syndrome. Last evaluated: 2026-06-29. Review status: criteria provided, single submitter. Criteria: Myriad Autosomal Dominant, Autosomal Recessive and X-Linked Classification Criteria (2023). Collection method: clinical testing. Allele origin: unknown.
Comment: This variant is considered benign. This variant is a silent/synonymous amino acid change and it is not expected to impact splicing.